The following is an entry in ClinVar:

NM_000393.5(COL5A2):c.1033G>A (p.Gly345Arg)

Gene: COL5A2 (collagen type V alpha 2 chain; minus strand). Cytogenetic location: 2q32.2.
Variant type: single nucleotide variant.
Coding change: c.1033G>A on transcript NM_000393.5 (MANE Select); coding-DNA position 1033, G replaced by A.
Protein change: p.Gly345Arg; replaces glycine 345 with arginine.
Molecular consequence: missense variant.
Genome position (GRCh38, 1-based): chr2:189,078,542, C>T on the plus strand (G>A on the coding strand, the complement: COL5A2 is on the minus strand). VCF-style: chr2-189078542-C-T. GRCh37 (hg19) VCF-style: chr2-189943268-C-T.
Other names: short protein forms G345R.
Identifiers: ClinVar variation 4005456 (VCV004005456.2).

ClinVar aggregate classification (germline): Uncertain significance. Review status: criteria provided, multiple submitters, no conflicts (2 of 4 stars). 2 submissions from 2 submitters: Uncertain significance (2). Last evaluated 2025-06-11.

Conditions:
Familial thoracic aortic aneurysm and aortic dissection (TAAD). Also called: Thoracic aortic aneurysms and dissections. Identifiers: Orphanet 91387, MedGen C4707243, MONDO:0019625.

Submissions (2):

Ambry Genetics
Classification: Uncertain significance for Familial thoracic aortic aneurysm and aortic dissection. Last evaluated: 2025-06-11. Review status: criteria provided, single submitter. Criteria: Ambry Variant Classification Scheme 2023. Collection method: clinical testing. Allele origin: germline.
Comment: The p.G345R variant (also known as c.1033G>A), located in coding exon 16 of the COL5A2 gene, results from a G to A substitution at nucleotide position 1033. The glycine at codon 345 is replaced by arginine, an amino acid with dissimilar properties. Internal structural analysis indicates that this alteration disrupts the characteristic G-X-Y motif of the triple helical domain in the COL5A2 protein and inserts a bulky side chain into a sterically-constrained region (Bella J et al.Science.1994;266:75-81; Hohenester E et al.Proc. Natl.Acad. Sci.U.S.A.2008;105:18273-7; Ambry internal data). Glycine substitutions in the triple helical domain of COL5A2 have been reported in association with classic Ehlers-Danlos syndrome (cEDS), but the number of affected individuals is limited and several other COL5A2 glycine substitutions in the triple helical domain (e.g., p.G951E and p.G831A) are too common for disease in population databases (Symoens S et al.Hum. Mutat., 2012 Oct;33:1485-93; Ritelli M et al.Orphanet J Rare Dis.2013 Apr;8:58).This amino acid position is highly conserved in available vertebrate species. In addition, this alteration is predicted to be deleterious by in silico analysis. Based on the available evidence, the clinical significance of this variant remains unclear.

Blueprint Genetics
Classification: Uncertain significance. Last evaluated: 2024-06-08. Review status: criteria provided, single submitter. Criteria: ACMG Guidelines, 2015. Collection method: clinical testing. Allele origin: germline.